The following is an entry in ClinVar:

ClinVar aggregate classification (germline): Uncertain significance (1 of 4 stars; one submission).

Submission:

GeneDx
Classification: Uncertain significance. Last evaluated: 2024-12-15. Review status: criteria provided, single submitter. Criteria: GeneDx Variant Classification Process June 2021. Collection method: clinical testing. Allele origin: germline. Affected: yes.
Comment: Not observed at significant frequency in large population cohorts (gnomAD); In silico analysis supports that this missense variant has a deleterious effect on protein structure/function; Has not been previously published as pathogenic or benign to our knowledge

NM_198525.3(KIF7):c.221G>A (p.Cys74Tyr)

Gene: KIF7 (kinesin family member 7; minus strand). Cytogenetic location: 15q26.1.
Variant type: single nucleotide variant.
Coding change: c.221G>A on transcript NM_198525.3 (MANE Select); coding-DNA position 221, G replaced by A.
Protein change: p.Cys74Tyr; replaces cysteine 74 with tyrosine.
Molecular consequence: missense variant.
Genome position (GRCh38, 1-based): chr15:89,652,710, C>T on the plus strand (G>A on the coding strand, the complement: KIF7 is on the minus strand). VCF-style: chr15-89652710-C-T. GRCh37 (hg19) VCF-style: chr15-90195941-C-T.
Other names: short protein forms C74Y.
Identifiers: ClinVar variation 3902975 (VCV003902975.1).
Genomic context (GRCh38, chr15:89,652,710, plus strand): 5'-CCATAGGCAAAGACAGTGGCATTGAAGCCCTCGAAGAAGGCCTCAAGGAGGGGCTGAACG[C>T]AGGCCTGGTACACGGCCTCCTGCCCCGCATCCTCGGCCAGCACCACGTGGAAGCCAAAGT-3'
Protein context (NP_940927.2, residues 64-84): DAGQEAVYQA[Cys74Tyr]VQPLLEAFFE